The following is an entry in ClinVar:

ClinVar aggregate classification (germline): Conflicting classifications of pathogenicity. Review status: criteria provided, conflicting classifications (1 of 4 stars). 10 submissions from 9 submitters: Uncertain significance (1); Benign (2); Likely benign (6). 1 of the submissions does not count toward it. Last evaluated 2026-08-01.

Conditions:
SYNE1-related disorder. Also called: SYNE1-related disorders; SYNE1-related disease; SYNE1-related condition.
Autosomal recessive ataxia, Beauce type. Also called: ATAXIA, RECESSIVE, OF BEAUCE; SYNE1-Related Autosomal Recessive Cerebellar Ataxia; Spinocerebellar ataxia, autosomal recessive 8; SYNE1 Deficiency. Identifiers: Orphanet 88644, MedGen C1853116, MONDO:0012549, OMIM 610743.
Emery-Dreifuss muscular dystrophy 4, autosomal dominant (EDMD4). Also called: EMERY-DREIFUSS MUSCULAR DYSTROPHY 4 WITH VARIABLE FEATURES. Identifiers: Orphanet 261, MedGen C2751807, MONDO:0013071, OMIM 612998.

Allele frequency attached by ClinVar (database versions not stated): 1000 Genomes Project 0.00040; 1000 Genomes Project 30x 0.00062; ESP Exome Variant Server 0.00085; ExAC 0.00115; gnomAD 0.00116; gnomAD exomes 0.00126; TOPMed 0.00139.
gnomAD v4.1: 2,401 of 1,614,044 alleles (0.15%); highest among the groups gnomAD compares: Admixed American, 0.2%; 5 homozygotes.

Submissions (10):

CeGaT Center for Human Genetics Tuebingen
Classification: Likely benign. Last evaluated: 2026-08-01. Review status: criteria provided, single submitter. Criteria: CeGaT Center For Human Genetics Tuebingen Variant Classification Criteria Version 2. Collection method: clinical testing. Allele origin: germline. Affected: yes. Observed: 3 variant alleles.
Comment: SYNE1: BP4

Labcorp Genetics (formerly Invitae), Labcorp
Classification: Likely benign for Emery-Dreifuss muscular dystrophy 4, autosomal dominant; Autosomal recessive ataxia, Beauce type. Last evaluated: 2026-01-24. Review status: criteria provided, single submitter. Criteria: Invitae Variant Classification Sherloc (09022015). Collection method: clinical testing. Allele origin: germline.

GeneDx
Classification: Likely benign. Last evaluated: 2025-07-05. Review status: criteria provided, single submitter. Criteria: GeneDx Variant Classification Process June 2021. Collection method: clinical testing. Allele origin: germline. Affected: yes.
Comment: See Variant Classification Assertion Criteria.

Athena Diagnostics
Classification: Likely benign. Last evaluated: 2025-01-21. Review status: criteria provided, single submitter. Criteria: Athena Diagnostics Criteria. Collection method: clinical testing. Allele origin: unknown.
Comment: The frequency of this variant in the general population is higher than would generally be expected for pathogenic variants in this gene. Computational tools predict this amino acid change may be benign.

Blueprint Genetics
Classification: Likely benign. Last evaluated: 2024-10-31. Review status: criteria provided, single submitter. Criteria: ACMG Guidelines, 2015. Collection method: clinical testing. Allele origin: germline.

Mayo Clinic Laboratories, Mayo Clinic
Classification: Benign. Last evaluated: 2023-11-22. Review status: criteria provided, single submitter. Criteria: ACMG Guidelines, 2015. Collection method: clinical testing. Allele origin: germline. Observed: 4 variant alleles.
Comment: BS1, BS2, BP4

Illumina Laboratory Services, Illumina
Classification: Uncertain significance for Autosomal recessive ataxia, Beauce type. Last evaluated: 2018-01-13. Review status: criteria provided, single submitter. Criteria: ICSL Variant Classification Criteria 13 December 2019. Collection method: clinical testing. Allele origin: germline.

Illumina Laboratory Services, Illumina
Classification: Benign for Emery-Dreifuss muscular dystrophy 4, autosomal dominant. Last evaluated: 2018-01-13. Review status: criteria provided, single submitter. Criteria: ICSL Variant Classification Criteria 13 December 2019. Collection method: clinical testing. Allele origin: germline.
Comment: This variant was observed in the ICSL laboratory as part of a predisposition screen in an ostensibly healthy population. It had not been previously curated by ICSL or reported in the Human Gene Mutation Database (HGMD: prior to June 1st, 2018), and was therefore a candidate for classification through an automated scoring system. Utilizing variant allele frequency, disease prevalence and penetrance estimates, and inheritance mode, an automated score was calculated to assess if this variant is too frequent to cause the disease. Based on the score and internal cut-off values, a variant classified as benign is not then subjected to further curation. The score for this variant resulted in a classification of benign for this disease.

Eurofins Ntd Llc (ga)
Classification: Likely benign. Last evaluated: 2017-01-08. Review status: criteria provided, single submitter. Criteria: EGL Classification Definitions 2015. Collection method: clinical testing. Allele origin: germline. Observed: 9 variant alleles, 9 heterozygotes.

PreventionGenetics, part of Exact Sciences
Classification: Likely benign for SYNE1-related condition. Last evaluated: 2023-02-19. Review status: no assertion criteria provided. Collection method: clinical testing. Allele origin: germline. Not counted in ClinVar's aggregate classification.
Comment: This variant is classified as likely benign based on ACMG/AMP sequence variant interpretation guidelines (Richards et al. 2015 PMID: 25741868, with internal and published modifications).

Literature cited by the submitters: PubMed 26870756 (cited by Athena Diagnostics and Mayo Clinic Laboratories, Mayo Clinic).

NM_182961.4(SYNE1):c.6521C>T (p.Thr2174Ile)

Gene: SYNE1 (spectrin repeat containing nuclear envelope protein 1; minus strand). Cytogenetic location: 6q25.2.
Variant type: single nucleotide variant.
Coding change: c.6521C>T on transcript NM_182961.4 (MANE Select); coding-DNA position 6521, C replaced by T.
Protein change: p.Thr2174Ile; replaces threonine 2174 with isoleucine.
Molecular consequence: missense variant.
Genome position (GRCh38, 1-based): chr6:152,409,087, G>A on the plus strand (C>T on the coding strand, the complement: SYNE1 is on the minus strand). VCF-style: chr6-152409087-G-A. GRCh37 (hg19) VCF-style: chr6-152730222-G-A.
Other names: p.Thr2181Ile; c.6542C>T, p.Thr2181Ile (NM_033071.5); short protein forms T2174I, T2181I.
Identifiers: ClinVar variation 283439 (VCV000283439.68), dbSNP rs141858284, ClinGen allele CA4058056.